The following is an entry in ClinVar:

NM_000187.4(HGD):c.709C>T (p.Arg237Cys)

Gene: HGD (homogentisate 1,2-dioxygenase; minus strand). Cytogenetic location: 3q13.33.
Variant type: single nucleotide variant.
Coding change: c.709C>T on transcript NM_000187.4 (MANE Select); coding-DNA position 709, C replaced by T.
Protein change: p.Arg237Cys; replaces arginine 237 with cysteine.
Molecular consequence: missense variant.
Genome position (GRCh38, 1-based): chr3:120,644,384, G>A on the plus strand (C>T on the coding strand, the complement: HGD is on the minus strand). VCF-style: chr3-120644384-G-A. GRCh37 (hg19) VCF-style: chr3-120363231-G-A.
Other names: short protein forms R237C.
Identifiers: ClinVar variation 524207 (VCV000524207.5), dbSNP rs1171237852, ClinGen allele CA354075236.

ClinVar aggregate classification (germline): Uncertain significance. Review status: criteria provided, single submitter (1 of 4 stars). 2 submissions from 2 submitters: Uncertain significance (1). 1 of the submissions does not count toward it. Last evaluated 2024-01-15.

Conditions:
Alkaptonuria (AKU). Also called: Alkaptonuric ochronosis; Homogentisic acidura; HOMOGENTISIC ACID OXIDASE DEFICIENCY; Alcaptonuria. Identifiers: Orphanet 56, MedGen C0002066, MONDO:0008753, OMIM 203500.

Allele frequency attached by ClinVar (database versions not stated): gnomAD exomes below 0.00001; TOPMed 0.00001; gnomAD 0.00003.
gnomAD v4.1: 10 of 1,613,912 alleles (0.00062%); highest among the groups gnomAD compares: African/African-American, 0.004%; no homozygotes.

Submissions (2):

Labcorp Genetics (formerly Invitae), Labcorp
Classification: Uncertain significance for Alkaptonuria. Last evaluated: 2024-01-15. Review status: criteria provided, single submitter. Criteria: Invitae Variant Classification Sherloc (09022015). Collection method: clinical testing. Allele origin: germline.
Comment: This sequence change replaces arginine, which is basic and polar, with cysteine, which is neutral and slightly polar, at codon 237 of the HGD protein (p.Arg237Cys). This variant is present in population databases (no rsID available, gnomAD 0.0009%). This variant has not been reported in the literature in individuals affected with HGD-related conditions. ClinVar contains an entry for this variant (Variation ID: 524207). Advanced modeling of protein sequence and biophysical properties (such as structural, functional, and spatial information, amino acid conservation, physicochemical variation, residue mobility, and thermodynamic stability) performed at Invitae indicates that this missense variant is not expected to disrupt HGD protein function with a negative predictive value of 80%. In summary, the available evidence is currently insufficient to determine the role of this variant in disease. Therefore, it has been classified as a Variant of Uncertain Significance.

Department Of Human Genetics, Institute Of Clinical And Translational Research, Biomedical Research Center, Slovak Academy Of Sciences
Classification: Pathogenic for Alkaptonuria. Review status: no assertion criteria provided. Collection method: research. Allele origin: germline. Inheritance: Autosomal recessive inheritance. Affected: yes. Observed: 1 variant allele. Not counted in ClinVar's aggregate classification.
Comment: The variant has been submitted to the HGD gene mutation database (DB-ID: AKU_00261).